The following is an entry in ClinVar:

NM_004385.5(VCAN):c.2816C>T (p.Thr939Ile)

Gene: VCAN (versican; plus strand). Cytogenetic location: 5q14.3.
Variant type: single nucleotide variant.
Coding change: c.2816C>T on transcript NM_004385.5 (MANE Select); coding-DNA position 2816, C replaced by T.
Protein change: p.Thr939Ile; replaces threonine 939 with isoleucine.
Molecular consequence: missense variant. On other transcripts: intron variant (2).
Genome position (GRCh38, 1-based): chr5:83,521,122, C>T. VCF-style: chr5-83521122-C-T. GRCh37 (hg19) VCF-style: chr5-82816941-C-T.
Other names: c.2816C>T, p.Thr939Ile (NM_001164098.2); c.1042+8726C>T (NM_001164097.2, NM_001126336.3); short protein forms T939I.
Identifiers: ClinVar variation 839883 (VCV000839883.11), dbSNP rs1746076053, ClinGen allele CA360304751.

ClinVar aggregate classification (germline): Uncertain significance. Review status: criteria provided, multiple submitters, no conflicts (2 of 4 stars). 2 submissions from 2 submitters: Uncertain significance (2). Last evaluated 2024-05-13.

Conditions:
Inborn genetic diseases. Identifiers: MedGen C0950123, MeSH D030342.

Allele frequency attached by ClinVar (database versions not stated): gnomAD exomes below 0.00001.
gnomAD v4.1: 2 of 1,614,138 alleles (0.00012%); highest among the groups gnomAD compares: East Asian, 0.0022%; no homozygotes.

Submissions (2):

Ambry Genetics
Classification: Uncertain significance for Inborn genetic diseases. Last evaluated: 2024-05-13. Review status: criteria provided, single submitter. Criteria: Ambry Variant Classification Scheme 2023. Collection method: clinical testing. Allele origin: germline.

Labcorp Genetics (formerly Invitae), Labcorp
Classification: Uncertain significance. Last evaluated: 2019-12-31. Review status: criteria provided, single submitter. Criteria: Invitae Variant Classification Sherloc (09022015). Collection method: clinical testing. Allele origin: germline.
Comment: This variant is not present in population databases (ExAC no frequency). In summary, the available evidence is currently insufficient to determine the role of this variant in disease. Therefore, it has been classified as a Variant of Uncertain Significance. Algorithms developed to predict the effect of missense changes on protein structure and function output the following: SIFT: "Deleterious"; PolyPhen-2: "Probably Damaging"; Align-GVGD: "Class C0". The isoleucine amino acid residue is found in multiple mammalian species, suggesting that this missense change does not adversely affect protein function. These predictions have not been confirmed by published functional studies and their clinical significance is uncertain. This variant has not been reported in the literature in individuals with VCAN-related conditions. This sequence change replaces threonine with isoleucine at codon 939 of the VCAN protein (p.Thr939Ile). The threonine residue is highly conserved and there is a moderate physicochemical difference between threonine and isoleucine.